The following is an entry in ClinVar:

ClinVar aggregate classification (germline): Likely benign. Review status: criteria provided, multiple submitters, no conflicts (2 of 4 stars). 2 submissions from 2 submitters: Likely benign (2). Last evaluated 2023-04-24.

Conditions:
Congenital myasthenic syndrome 5. Identifiers: Orphanet 590, MedGen C1864233, MONDO:0011281, OMIM 603034.

Allele frequency attached by ClinVar (database versions not stated): gnomAD exomes 0.00001 and 0.00003; TOPMed 0.00001; ExAC 0.00002.
gnomAD v4.1: 4 of 1,614,078 alleles (0.00025%); highest among the groups gnomAD compares: East Asian, 0.0089%; no homozygotes.

Submissions (2):

Labcorp Genetics (formerly Invitae), Labcorp
Classification: Likely benign for Congenital myasthenic syndrome 5. Last evaluated: 2023-04-24. Review status: criteria provided, single submitter. Criteria: Invitae Variant Classification Sherloc (09022015). Collection method: clinical testing. Allele origin: germline.

GeneDx
Classification: Likely benign. Last evaluated: 2016-08-04. Review status: criteria provided, single submitter. Criteria: GeneDx Variant Classification (06012015). Collection method: clinical testing. Allele origin: germline. Affected: yes.
Comment: This variant is considered likely benign or benign based on one or more of the following criteria: it is a conservative change, it occurs at a poorly conserved position in the protein, it is predicted to be benign by multiple in silico algorithms, and/or has population frequency not consistent with disease.

NM_005677.4(COLQ):c.815-5C>T

Gene: COLQ (collagen like tail subunit of asymmetric acetylcholinesterase; minus strand). Cytogenetic location: 3p25.1.
Variant type: single nucleotide variant.
Coding change: c.815-5C>T on transcript NM_005677.4 (MANE Select); 5 bases into the intron before coding-DNA position 815, C replaced by T.
Molecular consequence: intron variant.
Genome position (GRCh38, 1-based): chr3:15,458,330, G>A on the plus strand (C>T on the coding strand, the complement: COLQ is on the minus strand). VCF-style: chr3-15458330-G-A. GRCh37 (hg19) VCF-style: chr3-15499837-G-A.
Other names: c.713-5C>T (NM_080539.4); c.785-5C>T (NM_080538.2).
Identifiers: ClinVar variation 387930 (VCV000387930.5), dbSNP rs771406985, ClinGen allele CA2275949.
Genomic context (GRCh38, chr3:15,458,330, plus strand): 5'-TCTTCCTGGAGGCCCGGGAAATCCTCTTTCCCCTTTGGGTCCCATTATAAGTTGTCCTAG[G>A]AAGCAACAGACTGCTGTGTTACTAGAGCCAAGGAAGAGAAGACCAAACAACCAGGGAGAT-3'